The following is an entry in ClinVar:

ClinVar aggregate classification (germline): Uncertain significance (1 of 4 stars; one submission).

Allele frequency attached by ClinVar (database versions not stated): ExAC 0.00001; gnomAD exomes 0.00002.
gnomAD v4.1: 31 of 1,611,832 alleles (0.0019%); highest among the groups gnomAD compares: Non-Finnish European, 0.002%; no homozygotes.

Submission:

GeneDx
Classification: Uncertain significance. Last evaluated: 2026-09-04. Review status: criteria provided, single submitter. Criteria: GeneDx Variant Classification Process June 2021. Collection method: clinical testing. Allele origin: germline.
Comment: Not observed at significant frequency in large population cohorts (gnomAD); In silico analysis suggests that this missense variant does not alter protein structure/function; Has not been previously published as pathogenic or benign to our knowledge

NM_003850.3(SUCLA2):c.763A>G (p.Ile255Val)

Gene: SUCLA2 (succinate-CoA ligase ADP-forming subunit beta; minus strand). Cytogenetic location: 13q14.2.
Variant type: single nucleotide variant.
Coding change: c.763A>G on transcript NM_003850.3 (MANE Select); coding-DNA position 763, A replaced by G.
Protein change: p.Ile255Val; replaces isoleucine 255 with valine.
Molecular consequence: missense variant.
Genome position (GRCh38, 1-based): chr13:47,968,634, T>C on the plus strand (A>G on the coding strand, the complement: SUCLA2 is on the minus strand). VCF-style: chr13-47968634-T-C. GRCh37 (hg19) VCF-style: chr13-48542769-T-C.
Other names: short protein forms I255V.
Identifiers: ClinVar variation 2497801 (VCV002497801.2), dbSNP rs545767824, ClinGen allele CA6977923.